The following is an entry in ClinVar:

NM_001164508.2(NEB):c.24289_24292dup (p.Ile8098fs)

Genes: NEB (nebulin; minus strand), RIF1 (replication timing regulatory factor 1; plus strand). Cytogenetic location: 2q23.3.
Variant type: Duplication.
Coding change: c.24289_24292dup on transcript NM_001164508.2 (MANE Select); coding-DNA positions 24289 to 24292, 4 bases duplicated (AATA; older notation c.24289_24292dupAATA).
Protein change: p.Ile8098fs; shifts the reading frame from isoleucine 8098.
Molecular consequence: frameshift variant. On other transcripts: intron variant (1).
Genome position (GRCh38, 1-based): chr2:151,497,634-151,497,637, TATT duplicated on the plus strand (AATA on the coding strand, the reverse complement: NEB is on the minus strand); duplicating any 4 consecutive bases within chr2:151,497,634-151,497,638 gives the same sequence; the c. name uses the placement nearest the transcript's 3' end. VCF-style (leftmost placement, unchanged base first): chr2-151497633-A-ATATT. GRCh37 (hg19) VCF-style: chr2-152354147-A-ATATT.
Other names: c.24289_24292dup, p.Ile8098fs (NM_001164507.2); c.24394_24397dup, p.Ile8133fs (NM_001271208.2); c.18826-1269_18826-1266dup (NM_004543.5); short protein forms I8098fs, I8133fs.
Identifiers: ClinVar variation 419830 (VCV000419830.2), dbSNP rs1553551595, ClinGen allele CA16617238.

ClinVar aggregate classification (germline): Pathogenic (1 of 4 stars; one submission).

Submission:

GeneDx
Classification: Pathogenic. Last evaluated: 2015-09-03. Review status: criteria provided, single submitter. Criteria: GeneDx Variant Classification (06012015). Collection method: clinical testing. Allele origin: germline. Affected: yes.
Comment: The c.24394_24397dupAATA duplication in the NEB gene has not been reported previously as a pathogenic variant nor as a benign polymorphism, to our knowledge. The c.24394_24397dupAATA variant causes a frameshift starting with codon Isoleucine 8133, changes this amino acid to a Lysine residue, and creates a premature Stop codon at position 3 of the new reading frame, denoted p.Ile8133LysfsX3. This duplication is predicted to cause loss of normal protein function either through protein truncation or nonsense-mediated mRNA decay. The c.24394_24397dupAATA variant was not observed in approximately 2300 individuals of European and African American ancestry in the NHLBI Exome Sequencing Project, indicating it is not a common benign variant in these populations. We interpret c.24394_24397dupAATA as a pathogenic variant.